The following is an entry in ClinVar:

ClinVar aggregate classification (germline): Likely benign (1 of 4 stars; one submission).

Allele frequency attached by ClinVar (database versions not stated): gnomAD 0.00002; TOPMed 0.00005.
gnomAD v4.1: 5 of 1,255,502 alleles (0.0004%); highest among the groups gnomAD compares: Admixed American, 0.0049%; no homozygotes.

Submission:

GeneDx
Classification: Likely benign. Last evaluated: 2012-07-19. Review status: criteria provided, single submitter. Criteria: GeneDx Variant Classification (06012015). Collection method: clinical testing. Allele origin: germline. Affected: yes.
Comment: This variant is considered likely benign or benign based on one or more of the following criteria: it is a conservative change, it occurs at a poorly conserved position in the protein, it is predicted to be benign by multiple in silico algorithms, and/or has population frequency not consistent with disease.

NM_004519.4(KCNQ3):c.-13G>C

Gene: KCNQ3 (potassium voltage-gated channel subfamily Q member 3; minus strand). Cytogenetic location: 8q24.22.
Variant type: single nucleotide variant.
Coding change: c.-13G>C on transcript NM_004519.4 (MANE Select); 13 bases upstream of the start codon, G replaced by C.
Molecular consequence: 5 prime UTR variant.
Genome position (GRCh38, 1-based): chr8:132,480,545, C>G on the plus strand (G>C on the coding strand, the complement: KCNQ3 is on the minus strand). VCF-style: chr8-132480545-C-G. GRCh37 (hg19) VCF-style: chr8-133492792-C-G.
Identifiers: ClinVar variation 205955 (VCV000205955.3), dbSNP rs796052671, ClinGen allele CA315579.